The following is an entry in ClinVar:

NM_005476.7(GNE):c.1429C>T (p.Arg477Cys)

Gene: GNE (glucosamine (UDP-N-acetyl)-2-epimerase/N-acetylmannosamine kinase; minus strand). Cytogenetic location: 9p13.3.
Variant type: single nucleotide variant.
Coding change: c.1429C>T on transcript NM_005476.7 (MANE Select); coding-DNA position 1429, C replaced by T.
Protein change: p.Arg477Cys; replaces arginine 477 with cysteine.
Molecular consequence: missense variant. On other transcripts: intron variant (1).
Genome position (GRCh38, 1-based): chr9:36,222,981, G>A on the plus strand (C>T on the coding strand, the complement: GNE is on the minus strand). VCF-style: chr9-36222981-G-A. GRCh37 (hg19) VCF-style: chr9-36222978-G-A.
Other names: c.1522C>T, p.Arg508Cys (NM_001128227.3); c.1099C>T, p.Arg367Cys (NM_001190384.3); c.1252C>T, p.Arg418Cys (NM_001190388.2, NM_001374798.1); c.1276C>T, p.Arg426Cys (NM_001374797.1); c.1411+392C>T (NM_001190383.3); short protein forms R367C, R477C, R508C, R418C, R426C.
Identifiers: ClinVar variation 1203461 (VCV001203461.34), dbSNP rs551854437, ClinGen allele CA5056482.

ClinVar aggregate classification (germline): Uncertain significance. Review status: criteria provided, multiple submitters, no conflicts (2 of 4 stars). 8 submissions from 8 submitters: Uncertain significance (7). 1 of the submissions does not count toward it. Last evaluated 2026-09-01.

Conditions:
GNE-related disorder. Also called: GNE-related condition.
GNE myopathy (NM). Also called: NONAKA DISTAL MYOPATHY; IBM 2; Inclusion body myopathy autosomal recessive; Inclusion body myopathy quadriceps sparing; INCLUSION BODY MYOPATHY, HEREDITARY, AUTOSOMAL RECESSIVE; INCLUSION BODY MYOPATHY 2, AUTOSOMAL RECESSIVE. Identifiers: Orphanet 602, MedGen C1853926, MONDO:0011603, OMIM 605820.
Sialuria. Also called: SIALURIA, FRENCH TYPE; Sialic Acid Storage Disease. Identifiers: Orphanet 3166, MedGen C0342853, MONDO:0010028, OMIM 269921.
Inborn genetic diseases. Identifiers: MedGen C0950123, MeSH D030342.

Allele frequency attached by ClinVar (database versions not stated): gnomAD exomes 0.00003 and 0.00004; TOPMed 0.00003; ExAC 0.00004; gnomAD 0.00004 and 0.00006; 1000 Genomes Project 30x 0.00031; 1000 Genomes Project 0.00040.
gnomAD v4.1: 55 of 1,613,696 alleles (0.0034%); highest among the groups gnomAD compares: South Asian, 0.029%; no homozygotes.

Submissions (8):

Ambry Genetics
Classification: Uncertain significance for Inborn genetic diseases. Last evaluated: 2026-09-01. Review status: criteria provided, single submitter. Criteria: Ambry Variant Classification Scheme 2023. Collection method: clinical testing. Allele origin: germline.

Revvity Omics, Revvity
Classification: Uncertain significance. Last evaluated: 2025-05-27. Review status: criteria provided, single submitter. Criteria: ACMG Guidelines, 2015. Collection method: clinical testing. Allele origin: germline.

Labcorp Genetics (formerly Invitae), Labcorp
Classification: Uncertain significance for Sialuria; GNE myopathy. Last evaluated: 2024-11-14. Review status: criteria provided, single submitter. Criteria: Invitae Variant Classification Sherloc (09022015). Collection method: clinical testing. Allele origin: germline.
Comment: This sequence change replaces arginine, which is basic and polar, with cysteine, which is neutral and slightly polar, at codon 508 of the GNE protein (p.Arg508Cys). This variant is present in population databases (rs551854437, gnomAD 0.03%). This variant has not been reported in the literature in individuals affected with GNE-related conditions. ClinVar contains an entry for this variant (Variation ID: 1203461). Invitae Evidence Modeling of protein sequence and biophysical properties (such as structural, functional, and spatial information, amino acid conservation, physicochemical variation, residue mobility, and thermodynamic stability) has been performed for this missense variant. However, the output from this modeling did not meet the statistical confidence thresholds required to predict the impact of this variant on GNE protein function. In summary, the available evidence is currently insufficient to determine the role of this variant in disease. Therefore, it has been classified as a Variant of Uncertain Significance.

CeGaT Center for Human Genetics Tuebingen
Classification: Uncertain significance. Last evaluated: 2023-11-01. Review status: criteria provided, single submitter. Criteria: CeGaT Center For Human Genetics Tuebingen Variant Classification Criteria Version 2. Collection method: clinical testing. Allele origin: germline. Affected: yes. Observed: 1 variant allele.
Comment: GNE: PP3

PreventionGenetics, part of Exact Sciences
Classification: Uncertain significance for GNE-related condition. Last evaluated: 2023-06-07. Review status: criteria provided, single submitter. Criteria: ACMG Guidelines, 2015. Collection method: clinical testing. Allele origin: germline.
Comment: The GNE c.1522C>T variant is predicted to result in the amino acid substitution p.Arg508Cys. To our knowledge, this variant has not been reported in the literature. This variant is reported in 0.033% of alleles in individuals of South Asian descent in gnomAD. At this time, the clinical significance of this variant is uncertain due to the absence of conclusive functional and genetic evidence.

Blueprint Genetics
Classification: Uncertain significance. Last evaluated: 2021-09-21. Review status: criteria provided, single submitter. Criteria: ACMG Guidelines, 2015. Collection method: clinical testing. Allele origin: germline.

GeneDx
Classification: Uncertain significance. Last evaluated: 2020-03-09. Review status: criteria provided, single submitter. Criteria: GeneDx Variant Classification Process June 2021. Collection method: clinical testing. Allele origin: germline. Affected: yes.
Comment: Missense variants in this gene are often considered pathogenic (Stenson et al., 2014); In silico analysis supports that this missense variant does not alter protein structure/function; Has not been previously published as pathogenic or benign to our knowledge

Natera, Inc.
Classification: Uncertain significance for Nonaka myopathy. Last evaluated: 2019-12-09. Review status: no assertion criteria provided. Collection method: clinical testing. Allele origin: germline. Not counted in ClinVar's aggregate classification.